The following is an entry in ClinVar:

NM_001365951.3(KIF1B):c.1942C>T (p.Pro648Ser)

Gene: KIF1B (kinesin family member 1B; plus strand). Cytogenetic location: 1p36.22.
Variant type: single nucleotide variant.
Coding change: c.1942C>T on transcript NM_001365951.3 (MANE Select); coding-DNA position 1942, C replaced by T.
Protein change: p.Pro648Ser; replaces proline 648 with serine.
Molecular consequence: missense variant.
Genome position (GRCh38, 1-based): chr1:10,296,977, C>T. VCF-style: chr1-10296977-C-T. GRCh37 (hg19) VCF-style: chr1-10357035-C-T.
Other names: c.1942C>T, p.Pro648Ser (NM_001365952.1); c.1804C>T, p.Pro602Ser (NM_001365953.1, NM_015074.3, NM_183416.4); short protein forms P648S, P602S.
Identifiers: ClinVar variation 1350700 (VCV001350700.10), dbSNP rs2102259084, ClinGen allele CA338316851.

ClinVar aggregate classification (germline): Uncertain significance. Review status: criteria provided, multiple submitters, no conflicts (2 of 4 stars). 3 submissions from 3 submitters: Uncertain significance (3). Last evaluated 2025-07-07.

Conditions:
Charcot-Marie-Tooth disease type 2. Also called: Charcot-Marie-Tooth type 2. Identifiers: Orphanet 64746, MedGen C0270914, MONDO:0018993.

Allele frequency attached by ClinVar (database versions not stated): gnomAD exomes below 0.00001.
gnomAD v4.1: 1 of 1,614,024 alleles (0.000062%); highest among the groups gnomAD compares: Non-Finnish European, 0.000085%; no homozygotes.

Submissions (3):

Women's Health and Genetics/Laboratory Corporation of America, LabCorp
Classification: Uncertain significance. Last evaluated: 2025-07-07. Review status: criteria provided, single submitter. Criteria: LabCorp Variant Classification Summary - May 2015. Collection method: clinical testing. Allele origin: germline.
Comment: Variant summary: KIF1B c.1804C>T (p.Pro602Ser) results in a non-conservative amino acid change in the encoded protein sequence. Algorithms developed to predict the effect of missense changes on protein structure and function are either unavailable or do not agree on the potential impact of this missense change. The variant was absent in 251240 control chromosomes. The available data on variant occurrences in the general population are insufficient to allow any conclusion about variant significance. To our knowledge, no occurrence of c.1804C>T in individuals affected with Charcot-Marie-Tooth disease type 2A1 and no experimental evidence demonstrating its impact on protein function have been reported. ClinVar contains an entry for this variant (Variation ID: 1350700). Based on the evidence outlined above, the variant was classified as uncertain significance.

Ambry Genetics
Classification: Uncertain significance. Last evaluated: 2024-02-16. Review status: criteria provided, single submitter. Criteria: Ambry Variant Classification Scheme 2023. Collection method: clinical testing. Allele origin: germline.
Comment: The p.P602S variant (also known as c.1804C>T), located in coding exon 18 of the KIF1B gene, results from a C to T substitution at nucleotide position 1804. The proline at codon 602 is replaced by serine, an amino acid with similar properties. This amino acid position is conserved. In addition, this alteration is predicted to be tolerated by in silico analysis. Since supporting evidence is limited at this time, the clinical significance of this alteration remains unclear.

Labcorp Genetics (formerly Invitae), Labcorp
Classification: Uncertain significance for Charcot-Marie-Tooth disease type 2. Last evaluated: 2021-08-24. Review status: criteria provided, single submitter. Criteria: Invitae Variant Classification Sherloc (09022015). Collection method: clinical testing. Allele origin: germline.
Comment: This sequence change replaces proline with serine at codon 602 of the KIF1B protein (p.Pro602Ser). The proline residue is moderately conserved and there is a moderate physicochemical difference between proline and serine. This variant is not present in population databases (ExAC no frequency). This variant has not been reported in the literature in individuals affected with KIF1B-related conditions. Algorithms developed to predict the effect of missense changes on protein structure and function are either unavailable or do not agree on the potential impact of this missense change (SIFT: "Tolerated"; PolyPhen-2: "Probably Damaging"; Align-GVGD: "Class C0"). In summary, the available evidence is currently insufficient to determine the role of this variant in disease. Therefore, it has been classified as a Variant of Uncertain Significance.